The following is an entry in ClinVar:

ClinVar aggregate classification (germline): Conflicting classifications of pathogenicity. Review status: criteria provided, conflicting classifications (1 of 4 stars). 4 submissions from 4 submitters: Likely pathogenic (1); Uncertain significance (3). Last evaluated 2025-03-16.

gnomAD v4.1: 24 of 1,551,058 alleles (0.0015%); highest among the groups gnomAD compares: Non-Finnish European, 0.002%; no homozygotes.

Submissions (4):

Labcorp Genetics (formerly Invitae), Labcorp
Classification: Uncertain significance. Last evaluated: 2025-03-16. Review status: criteria provided, single submitter. Criteria: Invitae Variant Classification Sherloc (09022015). Collection method: clinical testing. Allele origin: germline.
Comment: This sequence change replaces arginine, which is basic and polar, with tryptophan, which is neutral and slightly polar, at codon 2110 of the PIEZO1 protein (p.Arg2110Trp). The frequency data for this variant in the population databases is considered unreliable, as metrics indicate poor data quality at this position in the gnomAD database. This missense change has been observed in individual(s) with clinical features of PIEZO1-related conditions (PMID: 29396846, 30237269, 33686258, 38069343). ClinVar contains an entry for this variant (Variation ID: 2428725). Invitae Evidence Modeling of protein sequence and biophysical properties (such as structural, functional, and spatial information, amino acid conservation, physicochemical variation, residue mobility, and thermodynamic stability) indicates that this missense variant is expected to disrupt PIEZO1 protein function with a positive predictive value of 80%. In summary, the available evidence is currently insufficient to determine the role of this variant in disease. Therefore, it has been classified as a Variant of Uncertain Significance.

ARUP Laboratories, Molecular Genetics and Genomics, ARUP Laboratories
Classification: Uncertain significance. Last evaluated: 2024-07-24. Review status: criteria provided, single submitter. Criteria: ARUP Molecular Germline Variant Investigation Process 2024. Collection method: clinical testing. Allele origin: germline.
Comment: The PIEZO1 c.6328C>T; p.Arg2110Trp variant (rs776531529, ClinVar variation ID: 2428725) is reported in the literature in individuals affected with stomatocytosis (Fermo 2021, Hauser 2023, Rotordam 2019, Russo 2018). In vitro patch clamp functional analyses demonstrate a gain-of-function of PIEZO1 channel protein (Russo 2018). This variant is only observed on one allele in the Genome Aggregation Database, indicating it is not a common polymorphism. Computational analyses predict that this variant is deleterious (REVEL: 0.84). Based on available information, this variant is uncertain at this time. References: Fermo E et al. Targeted Next Generation Sequencing and Diagnosis of Congenital Hemolytic Anemias: A Three Years Experience Monocentric Study. Front Physiol. 2021 PMID: 34093240. Hauser F et al. Hereditary Spherocytosis: Can Next-Generation Sequencing of the Five Most Frequently Affected Genes Replace Time-Consuming Functional Investigations? Int J Mol Sci. 2023 Nov 30. PMID: 38069343. Rotordam MG et al. A novel gain-of-function mutation of Piezo1 is functionally affirmed in red blood cells by high-throughput patch clamp. Haematologica. 2019 May. PMID: 30237269. Russo R et al. Multi-gene panel testing improves diagnosis and management of patients with hereditary anemias. Am J Hematol. 2018 May. PMID: 29396846.

Revvity Omics, Revvity
Classification: Likely pathogenic. Last evaluated: 2024-04-23. Review status: criteria provided, single submitter. Criteria: ACMG Guidelines, 2015. Collection method: clinical testing. Allele origin: germline.

GeneDx
Classification: Uncertain significance. Last evaluated: 2024-02-01. Review status: criteria provided, single submitter. Criteria: GeneDx Variant Classification Process June 2021. Collection method: clinical testing. Allele origin: germline. Affected: yes.
Comment: Not observed at significant frequency in large population cohorts (gnomAD); In silico analysis supports that this missense variant has a deleterious effect on protein structure/function; This variant is associated with the following publications: (PMID: 30237269, 30187933, 29396846, 34662886, 33686258, 33181827)

Literature cited by the submitters: PubMed 29396846 (cited by Labcorp Genetics (formerly Invitae), Labcorp); PubMed 30237269 (cited by Labcorp Genetics (formerly Invitae), Labcorp); PubMed 33686258 (cited by Labcorp Genetics (formerly Invitae), Labcorp); PubMed 38069343 (cited by Labcorp Genetics (formerly Invitae), Labcorp).

NM_001142864.4(PIEZO1):c.6328C>T (p.Arg2110Trp)

Gene: PIEZO1 (piezo type mechanosensitive ion channel component 1 (Er blood group); minus strand). Cytogenetic location: 16q24.3.
Variant type: single nucleotide variant.
Coding change: c.6328C>T on transcript NM_001142864.4 (MANE Select); coding-DNA position 6328, C replaced by T.
Protein change: p.Arg2110Trp; replaces arginine 2110 with tryptophan.
Molecular consequence: missense variant.
Genome position (GRCh38, 1-based): chr16:88,719,717, G>A on the plus strand (C>T on the coding strand, the complement: PIEZO1 is on the minus strand). VCF-style: chr16-88719717-G-A. GRCh37 (hg19) VCF-style: chr16-88786125-G-A.
Other names: c.4870C>T, p.Arg1624Trp (NM_014745.1); c.6328C>T (NM_001142864.2); short protein forms R1624W, R2110W.
Identifiers: ClinVar variation 2428725 (VCV002428725.8), dbSNP rs776531529, ClinGen allele CA8231649.